The following is an entry in ClinVar:

NM_002474.3(MYH11):c.3322A>G (p.Asn1108Asp)

Gene: MYH11 (myosin heavy chain 11; minus strand). Cytogenetic location: 16p13.11.
Variant type: single nucleotide variant.
Coding change: c.3322A>G on transcript NM_002474.3 (MANE Select); coding-DNA position 3322, A replaced by G.
Protein change: p.Asn1108Asp; replaces asparagine 1108 with aspartic acid.
Molecular consequence: missense variant.
Genome position (GRCh38, 1-based): chr16:15,735,550, T>C on the plus strand (A>G on the coding strand, the complement: MYH11 is on the minus strand). VCF-style: chr16-15735550-T-C. GRCh37 (hg19) VCF-style: chr16-15829407-T-C.
Other names: c.3343A>G, p.Asn1115Asp (NM_001040113.2, NM_001040114.2); c.3322A>G, p.Asn1108Asp (NM_022844.3); short protein forms N1108D, N1115D.
Identifiers: ClinVar variation 808004 (VCV000808004.26), dbSNP rs1451959711, ClinGen allele CA394862122.

ClinVar aggregate classification (germline): Uncertain significance. Review status: criteria provided, multiple submitters, no conflicts (2 of 4 stars). 6 submissions from 6 submitters: Uncertain significance (6). Last evaluated 2026-07-13.

Conditions:
Visceral myopathy 2. Identifiers: MedGen C5543466, MONDO:0859157, OMIM 619350.
Megacystis-microcolon-intestinal hypoperistalsis syndrome 2. Identifiers: MedGen C5543476, MONDO:0025708, OMIM 619351.
Aortic aneurysm, familial thoracic 4 (AAT4). Also called: AORTIC ANEURYSM/AORTIC DISSECTION AND PATENT DUCTUS ARTERIOSUS. Identifiers: MedGen C1851504, MONDO:0007568, OMIM 132900.
Familial thoracic aortic aneurysm and aortic dissection (TAAD). Also called: Thoracic aortic aneurysms and dissections. Identifiers: Orphanet 91387, MedGen C4707243, MONDO:0019625.

Allele frequency attached by ClinVar (database versions not stated): gnomAD exomes below 0.00001 and 0.00001.
gnomAD v4.1: 14 of 1,614,174 alleles (0.00087%); highest among the groups gnomAD compares: African/African-American, 0.0013%; no homozygotes.

Submissions (6):

Ambry Genetics
Classification: Uncertain significance for Familial thoracic aortic aneurysm and aortic dissection. Last evaluated: 2026-07-13. Review status: criteria provided, single submitter. Criteria: Ambry Variant Classification Scheme 2023. Collection method: clinical testing. Allele origin: germline.

GeneDx
Classification: Uncertain significance. Last evaluated: 2025-02-10. Review status: criteria provided, single submitter. Criteria: GeneDx Variant Classification Process June 2021. Collection method: clinical testing. Allele origin: germline. Affected: yes.
Comment: Has not been previously published as pathogenic or benign to our knowledge; Not observed at significant frequency in large population cohorts (gnomAD); In silico analysis indicates that this missense variant does not alter protein structure/function

Color Diagnostics, LLC DBA Color Health
Classification: Uncertain significance for Familial thoracic aortic aneurysm and aortic dissection. Last evaluated: 2024-03-06. Review status: criteria provided, single submitter. Criteria: ACMG Guidelines, 2015. Collection method: clinical testing. Allele origin: germline.
Comment: This missense variant replaces asparagine with aspartic acid at codon 1115 of the MYH11 protein. Computational prediction suggests that this variant may not impact protein structure and function (internally defined REVEL score threshold <= 0.5, PMID: 27666373). To our knowledge, functional studies have not been reported for this variant. This variant has not been reported in individuals affected with MYH11-related disorders in the literature. This variant has been identified in 1/251482 chromosomes in the general population by the Genome Aggregation Database (gnomAD). The available evidence is insufficient to determine the role of this variant in disease conclusively. Therefore, this variant is classified as a Variant of Uncertain Significance.

Labcorp Genetics (formerly Invitae), Labcorp
Classification: Uncertain significance for Aortic aneurysm, familial thoracic 4. Last evaluated: 2023-07-12. Review status: criteria provided, single submitter. Criteria: Invitae Variant Classification Sherloc (09022015). Collection method: clinical testing. Allele origin: germline.
Comment: This sequence change replaces asparagine, which is neutral and polar, with aspartic acid, which is acidic and polar, at codon 1115 of the MYH11 protein (p.Asn1115Asp). This variant is present in population databases (no rsID available, gnomAD 0.0009%). In summary, the available evidence is currently insufficient to determine the role of this variant in disease. Therefore, it has been classified as a Variant of Uncertain Significance. Advanced modeling of protein sequence and biophysical properties (such as structural, functional, and spatial information, amino acid conservation, physicochemical variation, residue mobility, and thermodynamic stability) performed at Invitae indicates that this missense variant is not expected to disrupt MYH11 protein function. ClinVar contains an entry for this variant (Variation ID: 808004). This variant has not been reported in the literature in individuals affected with MYH11-related conditions.

All of Us Research Program, National Institutes of Health
Classification: Uncertain significance for Familial thoracic aortic aneurysm and aortic dissection. Last evaluated: 2023-06-15. Review status: criteria provided, single submitter. Criteria: ACMG Guidelines, 2015. Collection method: clinical testing. Allele origin: germline. Inheritance: Autosomal dominant inheritance. Observed: 3 variant alleles, 3 heterozygotes.
Comment: This missense variant replaces asparagine with aspartic acid at codon 1115 of the MYH11 protein. Computational prediction tool suggests that this variant may not impact protein structure and function (internally defined REVEL score threshold <=0.5, PMID: 27666373). Splice site prediction tools suggest that this variant may not impact RNA splicing. To our knowledge, functional studies have not been performed for this variant. This variant has not been reported in individuals affected with cardiovascular disorders in the literature. This variant has been identified in 1/251482 chromosomes in the general population by the Genome Aggregation Database (gnomAD). The available evidence is insufficient to determine the role of this variant in disease conclusively. Therefore, this variant is classified as a Variant of Uncertain Significance.

This study involves interpretation of variants in research participants for the purpose of population health screening. Participant phenotype was not available at the time of variant classification. Additional details can be found in publication PMID: 35346344, PMCID: PMC8962531

Fulgent Genetics
Classification: Uncertain significance for Aortic aneurysm, familial thoracic 4; Visceral myopathy 2; Megacystis-microcolon-intestinal hypoperistalsis syndrome 2. Last evaluated: 2021-11-17. Review status: criteria provided, single submitter. Criteria: ACMG Guidelines, 2015. Collection method: clinical testing. Allele origin: unknown.